The following is an entry in ClinVar:

NM_016222.4(DDX41):c.1098+3_1098+31del

Gene: DDX41 (DEAD-box helicase 41; minus strand). Cytogenetic location: 5q35.3.
Variant type: Deletion.
Coding change: c.1098+3_1098+31del on transcript NM_016222.4 (MANE Select); bases 3 to 31 of the intron after coding-DNA position 1098, 29 bases deleted (GCCGCCCCCGCCCGGCCAGGGCACCCTGC).
Molecular consequence: intron variant.
Genome position (GRCh38, 1-based): chr5:177,513,654-177,513,682, GCAGGGTGCCCTGGCCGGGCGGGGGCGGC deleted on the plus strand (GCCGCCCCCGCCCGGCCAGGGCACCCTGC on the coding strand, the reverse complement: DDX41 is on the minus strand). VCF-style (leftmost placement, unchanged base first): chr5-177513653-TGCAGGGTGCCCTGGCCGGGCGGGGGCGGC-T. GRCh37 (hg19) VCF-style: chr5-176940654-TGCAGGGTGCCCTGGCCGGGCGGGGGCGGC-T.
Other names: c.720+3_720+31del (NM_001321830.2, NM_001321732.2).
Identifiers: ClinVar variation 4869617 (VCV004869617.1).
Genomic context (GRCh38, chr5:177,513,653, plus strand): 5'-GTTGGGGTGGCCAGGGGCATGGGGTCCCTGCAGTCTGATGTGGCGTGCAGTGGGGGGCGG[TGCAGGGTGCCCTGGCCGGGCGGGGGCGGC>T]ACCTTGAAGTAGGAGAAGATGGTACGGATGTCACCCTCGAAGCCCATGTCGATCATGCGG-3'

ClinVar aggregate classification (germline): Uncertain significance (1 of 4 stars; one submission).

Conditions:
Inborn genetic diseases. Identifiers: MedGen C0950123, MeSH D030342.

Submission:

Ambry Genetics
Classification: Uncertain significance for Inborn genetic diseases. Last evaluated: 2026-03-23. Review status: criteria provided, single submitter. Criteria: Ambry Variant Classification Scheme 2023. Collection method: clinical testing. Allele origin: germline.
Comment: The c.1098+3_1098+31del29 intronic variant, located in intron 10 of the DDX41 gene, results from a deletion of 29 nucleotides within intron 10 of the DDX41 gene. This nucleotide position is not well conserved in available vertebrate species. In silico splice site analysis predicts that this alteration will not have any significant effect on splicing. Based on the available evidence, the clinical significance of this variant remains unclear.